The following is an entry in ClinVar:

NM_000179.3(MSH6):c.3128delinsCC (p.Asn1043fs)

Gene: MSH6 (mutS homolog 6; plus strand). Cytogenetic location: 2p16.3.
Variant type: Indel.
Coding change: c.3128delinsCC on transcript NM_000179.3 (MANE Select); coding-DNA position 3128, A replaced by CC.
Protein change: p.Asn1043fs; shifts the reading frame from asparagine 1043.
Molecular consequence: frameshift variant.
Genome position (GRCh38, 1-based): chr2:47,801,111, A replaced by CC. VCF-style: chr2-47801111-A-CC. GRCh37 (hg19) VCF-style: chr2-48028250-A-CC.
Other names: c.2738delinsCC, p.Asn913fs (NM_001281492.2); c.2222delinsCC, p.Asn741fs (NM_001281493.2, NM_001281494.2); c.3224delAinsCC, p.Asn1075Thrfs (NM_001406795.1, NM_001406802.1); c.3128delAinsCC, p.Asn1043Thrfs (NM_001406796.1, NM_001406798.1, NM_001406800.1 and 2 more transcripts); c.2831delAinsCC, p.Asn944Thrfs (NM_001406797.1, NM_001406801.1, NM_001406805.1 and 10 more transcripts); c.2603delAinsCC, p.Asn868Thrfs (NM_001406799.1, NM_001406806.1, NM_001406807.1); c.3050delAinsCC, p.Asn1017Thrfs (NM_001406804.1); c.2222delAinsCC, p.Asn741Thrfs (NM_001406811.1, NM_001406812.1, NM_001406814.1 and 4 more transcripts); and 3 more; short protein forms N741fs, N913fs, N1043fs.
Identifiers: ClinVar variation 1727912 (VCV001727912.2), dbSNP rs2530715713, ClinGen allele CA2580066811.

ClinVar aggregate classification (germline): Pathogenic (1 of 4 stars; one submission).

Conditions:
Hereditary cancer-predisposing syndrome. Also called: Tumor predisposition; Neoplastic Syndromes, Hereditary; Hereditary Cancer Syndrome; Hereditary neoplastic syndrome. Identifiers: Orphanet 140162, MedGen C0027672, MeSH D009386, MONDO:0015356.

Submission:

Ambry Genetics
Classification: Pathogenic for Hereditary cancer-predisposing syndrome. Last evaluated: 2020-02-27. Review status: criteria provided, single submitter. Criteria: Ambry Variant Classification Scheme 2023. Collection method: clinical testing. Allele origin: germline.
Comment: The c.3128delAinsCC pathogenic mutation, located in coding exon 4 of the MSH6 gene, results from the deletion of one nucleotide and insertion of two nucleotides causing a translational frameshift with a predicted alternate stop codon (p.N1043Tfs*23). This alteration is expected to result in loss of function by premature protein truncation or nonsense-mediated mRNA decay. As such, this alteration is interpreted as a disease-causing mutation.